The following is an entry in ClinVar:

NM_001734.5(C1S):c.945T>G (p.Asp315Glu)

Gene: C1S (complement C1s; plus strand). Cytogenetic location: 12p13.31.
Variant type: single nucleotide variant.
Coding change: c.945T>G on transcript NM_001734.5 (MANE Select); coding-DNA position 945, T replaced by G.
Protein change: p.Asp315Glu; replaces aspartic acid 315 with glutamic acid.
Molecular consequence: missense variant.
Genome position (GRCh38, 1-based): chr12:7,066,591, T>G. VCF-style: chr12-7066591-T-G. GRCh37 (hg19) VCF-style: chr12-7173895-T-G.
Other names: c.444T>G, p.Asp148Glu (NM_001346850.2); c.945T>G, p.Asp315Glu (NM_201442.4); short protein forms D148E, D315E.
Identifiers: ClinVar variation 2695327 (VCV002695327.3), dbSNP rs781969688, ClinGen allele CA383699054.

ClinVar aggregate classification (germline): Uncertain significance (1 of 4 stars; one submission).

Submission:

Labcorp Genetics (formerly Invitae), Labcorp
Classification: Uncertain significance. Last evaluated: 2023-11-12. Review status: criteria provided, single submitter. Criteria: Invitae Variant Classification Sherloc (09022015). Collection method: clinical testing. Allele origin: germline.
Comment: This sequence change replaces aspartic acid, which is acidic and polar, with glutamic acid, which is acidic and polar, at codon 315 of the C1S protein (p.Asp315Glu). This variant is not present in population databases (gnomAD no frequency). This variant has not been reported in the literature in individuals affected with C1S-related conditions. Advanced modeling of protein sequence and biophysical properties (such as structural, functional, and spatial information, amino acid conservation, physicochemical variation, residue mobility, and thermodynamic stability) performed at Invitae indicates that this missense variant is not expected to disrupt C1S protein function with a negative predictive value of 80%. In summary, the available evidence is currently insufficient to determine the role of this variant in disease. Therefore, it has been classified as a Variant of Uncertain Significance.